The following is an entry in ClinVar:

ClinVar aggregate classification (germline): Uncertain significance. Review status: criteria provided, multiple submitters, no conflicts (2 of 4 stars). 2 submissions from 2 submitters: Uncertain significance (2). Last evaluated 2023-01-11.

Conditions:
Familial melanoma. Also called: Hereditary melanoma; Hereditary cutaneous melanoma. Identifiers: Orphanet 618, MedGen C1512419, MONDO:0018961.
Hereditary cancer-predisposing syndrome. Also called: Neoplastic Syndromes, Hereditary; Tumor predisposition; Hereditary Cancer Syndrome; Hereditary neoplastic syndrome. Identifiers: Orphanet 140162, MedGen C0027672, MeSH D009386, MONDO:0015356.

Submissions (2):

Labcorp Genetics (formerly Invitae), Labcorp
Classification: Uncertain significance for Familial melanoma. Last evaluated: 2023-01-11. Review status: criteria provided, single submitter. Criteria: Invitae Variant Classification Sherloc (09022015). Collection method: clinical testing. Allele origin: germline.
Comment: This sequence change replaces alanine, which is neutral and non-polar, with threonine, which is neutral and polar, at codon 79 of the CDK4 protein (p.Ala79Thr). This variant is not present in population databases (gnomAD no frequency). This variant has not been reported in the literature in individuals affected with CDK4-related conditions. ClinVar contains an entry for this variant (Variation ID: 483314). Algorithms developed to predict the effect of missense changes on protein structure and function are either unavailable or do not agree on the potential impact of this missense change (SIFT: "Deleterious"; PolyPhen-2: "Benign"; Align-GVGD: "Class C0"). In summary, the available evidence is currently insufficient to determine the role of this variant in disease. Therefore, it has been classified as a Variant of Uncertain Significance.

Ambry Genetics
Classification: Uncertain significance for Hereditary cancer-predisposing syndrome. Last evaluated: 2021-06-01. Review status: criteria provided, single submitter. Criteria: Ambry Variant Classification Scheme 2023. Collection method: clinical testing. Allele origin: germline.
Comment: The p.A79T variant (also known as c.235G>A), located in coding exon 2 of the CDK4 gene, results from a G to A substitution at nucleotide position 235. The alanine at codon 79 is replaced by threonine, an amino acid with similar properties. This amino acid position is highly conserved in available vertebrate species. In addition, this alteration is predicted to be tolerated by in silico analysis. Since supporting evidence is limited at this time, the clinical significance of this alteration remains unclear.

NM_000075.4(CDK4):c.235G>A (p.Ala79Thr)

Gene: CDK4 (cyclin dependent kinase 4; minus strand). Cytogenetic location: 12q14.1.
Variant type: single nucleotide variant.
Coding change: c.235G>A on transcript NM_000075.4 (MANE Select); coding-DNA position 235, G replaced by A.
Protein change: p.Ala79Thr; replaces alanine 79 with threonine.
Molecular consequence: missense variant.
Genome position (GRCh38, 1-based): chr12:57,751,326, C>T on the plus strand (G>A on the coding strand, the complement: CDK4 is on the minus strand). VCF-style: chr12-57751326-C-T. GRCh37 (hg19) VCF-style: chr12-58145109-C-T.
Other names: short protein forms A79T.
Identifiers: ClinVar variation 483314 (VCV000483314.8), dbSNP rs1555201333, ClinGen allele CA385548282.